The following is an entry in ClinVar:

NM_001754.5(RUNX1):c.424dup (p.Ala142fs)

Genes: RUNX1 (RUNX family transcription factor 1; minus strand), RUNX1-AS1 (RUNX1 antisense RNA 1; plus strand). Cytogenetic location: 21q22.12.
Variant type: Duplication.
Coding change: c.424dup on transcript NM_001754.5 (MANE Select); coding-DNA position 424, one base duplicated (G; older notation c.424dupG).
Protein change: p.Ala142fs; shifts the reading frame from alanine 142.
Molecular consequence: frameshift variant.
Genome position (GRCh38, 1-based): chr21:34,880,641, C duplicated on the plus strand (G on the coding strand, the reverse complement: RUNX1 is on the minus strand); the first of 2 consecutive C bases (chr21:34,880,641-34,880,642); duplicating either gives the same sequence. VCF-style (leftmost placement, unchanged base first): chr21-34880640-G-GC. GRCh37 (hg19) VCF-style: chr21-36252937-G-GC.
Other names: NM_001754.5(RUNX1):c.424dup; c.424dup (NM_001754.4); c.343dup, p.Ala115fs (NM_001001890.3, NM_001122607.2); c.424dupG (NM_001754.4); short protein forms A142fs, A115fs.
Identifiers: ClinVar variation 561238 (VCV000561238.4), dbSNP rs1569079076, ClinGen allele CA658824419.

ClinVar aggregate classification (germline): Pathogenic. Review status: reviewed by expert panel (3 of 4 stars). 2 submissions from 2 submitters: Pathogenic (1). 1 of the submissions does not count toward it. Last evaluated 2024-03-26.

Conditions:
Hereditary thrombocytopenia and hematologic cancer predisposition syndrome. Identifiers: Orphanet 71290, MedGen CN281654, MONDO:0011071.

Submissions (2):

ClinGen Myeloid Malignancy Variant Curation Expert Panel
Classification: Pathogenic for Hereditary thrombocytopenia and hematologic cancer predisposition syndrome. Last evaluated: 2024-03-26. Review status: reviewed by expert panel. Criteria: ClinGen MyeloMalig ACMG Specifications v2. Collection method: curation. Allele origin: germline. Inheritance: Autosomal dominant inheritance.
Comment: The NM_001754.4:c.424dup (p.Ala142fs) variant is a frameshift variant that is predicted to introduce a premature stop codon and expected to result in nonsense-mediated mRNA decay (PVS1). This variant is completely absent from all population databases with at least 20x coverage for RUNX1 (PM2_Supporting). This variant is a nonsense/frameshift variants that is downstream of c.98 (PM5_Supporting). The variant has not been reported as germ-line in patients with familial platelet disorder with predisposition to hematologic malignancies in the literature, to the best of our knowledge. In summary, this variant meets criteria to be classified as pathogenic. ACMG/AMP criteria applied, as specified by the Myeloid Malignancy Variant Curation Expert Panel for RUNX1: PVS1, PM2_supporting, PM5_supporting.

PreventionGenetics, part of Exact Sciences
Classification: Likely pathogenic. Last evaluated: 2014-01-03. Review status: criteria provided, single submitter. Criteria: ACMG Guidelines, 2015. Collection method: clinical testing. Allele origin: germline. Not counted in ClinVar's aggregate classification.